The following is an entry in ClinVar:

ClinVar aggregate classification (germline): Uncertain significance. Review status: criteria provided, multiple submitters, no conflicts (2 of 4 stars). 5 submissions from 5 submitters: Uncertain significance (5). Last evaluated 2025-12-01.

Conditions:
Hypopigmentation, organomegaly, and delayed myelination and development. Identifiers: MedGen C5203300, MONDO:0032805, OMIM 618541.
Inborn genetic diseases. Identifiers: MedGen C0950123, MeSH D030342.

Allele frequency attached by ClinVar (database versions not stated): gnomAD 0.00001; TOPMed 0.00001; gnomAD exomes 0.00003.

Submissions (5):

Labcorp Genetics (formerly Invitae), Labcorp
Classification: Uncertain significance. Last evaluated: 2025-12-01. Review status: criteria provided, single submitter. Criteria: Invitae Variant Classification Sherloc (09022015). Collection method: clinical testing. Allele origin: germline.
Comment: This sequence change replaces alanine, which is neutral and non-polar, with valine, which is neutral and non-polar, at codon 673 of the CLCN7 protein (p.Ala673Val). The frequency data for this variant in the population databases is considered unreliable, as metrics indicate poor data quality at this position in the gnomAD database. This variant has not been reported in the literature in individuals affected with CLCN7-related conditions. ClinVar contains an entry for this variant (Variation ID: 1325575). Invitae Evidence Modeling of protein sequence and biophysical properties (such as structural, functional, and spatial information, amino acid conservation, physicochemical variation, residue mobility, and thermodynamic stability) indicates that this missense variant is not expected to disrupt CLCN7 protein function with a negative predictive value of 95%. In summary, the available evidence is currently insufficient to determine the role of this variant in disease. Therefore, it has been classified as a Variant of Uncertain Significance.

Ambry Genetics
Classification: Uncertain significance for Inborn genetic diseases. Last evaluated: 2025-08-01. Review status: criteria provided, single submitter. Criteria: Ambry Variant Classification Scheme 2023. Collection method: clinical testing. Allele origin: germline.

Blueprint Genetics
Classification: Uncertain significance. Last evaluated: 2024-11-08. Review status: criteria provided, single submitter. Criteria: ACMG Guidelines, 2015. Collection method: clinical testing. Allele origin: germline.

CeGaT Center for Human Genetics Tuebingen
Classification: Uncertain significance. Last evaluated: 2023-10-01. Review status: criteria provided, single submitter. Criteria: CeGaT Center For Human Genetics Tuebingen Variant Classification Criteria Version 2. Collection method: clinical testing. Allele origin: germline. Affected: yes. Observed: 1 variant allele.

New York Genome Center
Classification: Uncertain significance for Hypopigmentation, organomegaly, and delayed myelination and development. Last evaluated: 2020-04-18. Review status: criteria provided, single submitter. Criteria: NYGC Assertion Criteria 2020. Collection method: clinical testing. Allele origin: germline. Observed: 1 heterozygote. Study: CSER-NYCKidSeq.

NM_001287.6(CLCN7):c.2018C>T (p.Ala673Val)

Gene: CLCN7 (Cl-/H+ antiporter 7; minus strand). Cytogenetic location: 16p13.3.
Variant type: single nucleotide variant.
Coding change: c.2018C>T on transcript NM_001287.6 (MANE Select); coding-DNA position 2018, C replaced by T.
Protein change: p.Ala673Val; replaces alanine 673 with valine.
Molecular consequence: missense variant.
Genome position (GRCh38, 1-based): chr16:1,447,710, G>A on the plus strand (C>T on the coding strand, the complement: CLCN7 is on the minus strand). VCF-style: chr16-1447710-G-A. GRCh37 (hg19) VCF-style: chr16-1497711-G-A.
Other names: c.1946C>T, p.Ala649Val (NM_001114331.3); c.2018C>T (NM_001287.4); short protein forms A649V, A673V.
Identifiers: ClinVar variation 1325575 (VCV001325575.33), dbSNP rs1430982446, ClinGen allele CA394185948.